The following is an entry in ClinVar:

ClinVar aggregate classification (germline): Uncertain significance. Review status: criteria provided, multiple submitters, no conflicts (2 of 4 stars). 2 submissions from 2 submitters: Uncertain significance (2). Last evaluated 2025-06-29.

Conditions:
Inborn genetic diseases. Identifiers: MedGen C0950123, MeSH D030342.
Mucopolysaccharidosis type 1. Also called: IDUA deficiency; MPS I. Identifiers: Orphanet 579, MedGen C0023786, MONDO:0001586.

Allele frequency attached by ClinVar (database versions not stated): gnomAD exomes below 0.00001.
gnomAD v4.1: 1 of 1,477,236 alleles (0.000068%); highest among the groups gnomAD compares: Admixed American, 0.0024%; no homozygotes.

Submissions (2):

Ambry Genetics
Classification: Uncertain significance for Inborn genetic diseases. Last evaluated: 2025-06-29. Review status: criteria provided, single submitter. Criteria: Ambry Variant Classification Scheme 2023. Collection method: clinical testing. Allele origin: germline.

Labcorp Genetics (formerly Invitae), Labcorp
Classification: Uncertain significance for Mucopolysaccharidosis type 1. Last evaluated: 2022-08-10. Review status: criteria provided, single submitter. Criteria: Invitae Variant Classification Sherloc (09022015). Collection method: clinical testing. Allele origin: germline.
Comment: This sequence change replaces arginine, which is basic and polar, with histidine, which is basic and polar, at codon 516 of the IDUA protein (p.Arg516His). The frequency data for this variant in the population databases is considered unreliable, as metrics indicate poor data quality at this position in the gnomAD database. This variant has not been reported in the literature in individuals affected with IDUA-related conditions. Advanced modeling of protein sequence and biophysical properties (such as structural, functional, and spatial information, amino acid conservation, physicochemical variation, residue mobility, and thermodynamic stability) performed at Invitae indicates that this missense variant is not expected to disrupt IDUA protein function. In summary, the available evidence is currently insufficient to determine the role of this variant in disease. Therefore, it has been classified as a Variant of Uncertain Significance.

NM_000203.5(IDUA):c.1547G>A (p.Arg516His)

Gene: IDUA (alpha-L-iduronidase; plus strand). Cytogenetic location: 4p16.3.
Variant type: single nucleotide variant.
Coding change: c.1547G>A on transcript NM_000203.5 (MANE Select); coding-DNA position 1547, G replaced by A.
Protein change: p.Arg516His; replaces arginine 516 with histidine.
Molecular consequence: missense variant. On other transcripts: non-coding transcript variant (1).
Genome position (GRCh38, 1-based): chr4:1,003,367, G>A. VCF-style: chr4-1003367-G-A. GRCh37 (hg19) VCF-style: chr4-997155-G-A.
Other names: c.1547G>A (NM_000203.3); c.1151G>A, p.Arg384His (NM_001363576.1); short protein forms R384H, R516H.
Identifiers: ClinVar variation 1908681 (VCV001908681.3), dbSNP rs953150250, ClinGen allele CA355964939.